The following is an entry in ClinVar:

NM_014270.5(SLC7A9):c.1204G>A (p.Glu402Lys)

Gene: SLC7A9 (solute carrier family 7 member 9; minus strand). Cytogenetic location: 19q13.11.
Variant type: single nucleotide variant.
Coding change: c.1204G>A on transcript NM_014270.5 (MANE Select); coding-DNA position 1204, G replaced by A.
Protein change: p.Glu402Lys; replaces glutamic acid 402 with lysine.
Molecular consequence: missense variant.
Genome position (GRCh38, 1-based): chr19:32,842,188, C>T on the plus strand (G>A on the coding strand, the complement: SLC7A9 is on the minus strand). VCF-style: chr19-32842188-C-T. GRCh37 (hg19) VCF-style: chr19-33333094-C-T.
Other names: c.1204G>A, p.Glu402Lys (NM_001126335.2, NM_001243036.2); short protein forms E402K.
Identifiers: ClinVar variation 1312957 (VCV001312957.2), dbSNP rs2145809294, ClinGen allele CA405197819.

ClinVar aggregate classification (germline): Uncertain significance (1 of 4 stars; one submission).

Allele frequency attached by ClinVar (database versions not stated): gnomAD exomes below 0.00001.
gnomAD v4.1: 1 of 1,614,176 alleles (0.000062%); highest among the groups gnomAD compares: Non-Finnish European, 0.000085%; no homozygotes.

Submission:

GeneDx
Classification: Uncertain significance. Last evaluated: 2020-07-06. Review status: criteria provided, single submitter. Criteria: GeneDx Variant Classification Process June 2021. Collection method: clinical testing. Allele origin: germline. Affected: yes.
Comment: Not observed in large population cohorts (Lek et al., 2016); In silico analysis supports that this missense variant does not alter protein structure/function; Has not been previously published as pathogenic or benign to our knowledge